The following is an entry in ClinVar:

NM_000092.5(COL4A4):c.2027A>G (p.His676Arg)

Gene: COL4A4 (collagen type IV alpha 4 chain; minus strand). Cytogenetic location: 2q36.3.
Variant type: single nucleotide variant.
Coding change: c.2027A>G on transcript NM_000092.5 (MANE Select); coding-DNA position 2027, A replaced by G.
Protein change: p.His676Arg; replaces histidine 676 with arginine.
Molecular consequence: missense variant.
Genome position (GRCh38, 1-based): chr2:227,062,559, T>C on the plus strand (A>G on the coding strand, the complement: COL4A4 is on the minus strand). VCF-style: chr2-227062559-T-C. GRCh37 (hg19) VCF-style: chr2-227927275-T-C.
Other names: short protein forms H676R.
Identifiers: ClinVar variation 2980700 (VCV002980700.2), dbSNP rs369522855, ClinGen allele CA2144981.

ClinVar aggregate classification (germline): Uncertain significance. Review status: criteria provided, multiple submitters, no conflicts (2 of 4 stars). 2 submissions from 2 submitters: Uncertain significance (2). Last evaluated 2024-02-06.

Conditions:
Hematuria, benign familial, 1 (BFH1). Also called: THIN MEMBRANE NEPHROPATHY. Identifiers: MedGen CN376803, MONDO:0007709, OMIM 141200.
Autosomal recessive Alport syndrome (ATS2). Also called: COL4A4 Alport Syndrome and Thin Basement Membrane Nephropathy; Alport syndrome type 2; ALPORT SYNDROME 2, AUTOSOMAL RECESSIVE; COL4A3-Related Nephropathy. Identifiers: Orphanet 63, Orphanet 88919, MedGen C4746745, MONDO:0008762, OMIM 203780.

Allele frequency attached by ClinVar (database versions not stated): gnomAD exomes below 0.00001; ESP Exome Variant Server 0.00008.
gnomAD v4.1: 7 of 1,612,240 alleles (0.00043%); highest among the groups gnomAD compares: Non-Finnish European, 0.00059%; no homozygotes.

Submissions (2):

Fulgent Genetics
Classification: Uncertain significance for Hematuria, benign familial, 1; Autosomal recessive Alport syndrome. Last evaluated: 2024-02-06. Review status: criteria provided, single submitter. Criteria: ACMG Guidelines, 2015. Collection method: clinical testing. Allele origin: germline.

Labcorp Genetics (formerly Invitae), Labcorp
Classification: Uncertain significance. Last evaluated: 2024-01-03. Review status: criteria provided, single submitter. Criteria: Invitae Variant Classification Sherloc (09022015). Collection method: clinical testing. Allele origin: germline.
Comment: This sequence change replaces histidine, which is basic and polar, with arginine, which is basic and polar, at codon 676 of the COL4A4 protein (p.His676Arg). This variant is present in population databases (rs369522855, gnomAD 0.002%). This variant has not been reported in the literature in individuals affected with COL4A4-related conditions. Advanced modeling of protein sequence and biophysical properties (such as structural, functional, and spatial information, amino acid conservation, physicochemical variation, residue mobility, and thermodynamic stability) performed at Invitae indicates that this missense variant is not expected to disrupt COL4A4 protein function with a negative predictive value of 95%. In summary, the available evidence is currently insufficient to determine the role of this variant in disease. Therefore, it has been classified as a Variant of Uncertain Significance.